The following is an entry in ClinVar:

ClinVar aggregate classification (germline): Conflicting classifications of pathogenicity. Review status: criteria provided, conflicting classifications (1 of 4 stars). 2 submissions from 2 submitters: Uncertain significance (1); Likely benign (1). Last evaluated 2025-11-16.

Conditions:
Long QT syndrome (LQTS). Identifiers: MedGen C0023976, MeSH D008133, MONDO:0002442. Disease mechanism: loss of function. Inheritance: Various modes of inheritance.
Cardiovascular phenotype. Identifiers: MedGen CN230736.

Allele frequency attached by ClinVar (database versions not stated): gnomAD exomes 0.00001; ExAC 0.00002.
gnomAD v4.1: 10 of 1,607,832 alleles (0.00062%); highest among the groups gnomAD compares: Admixed American, 0.017%; no homozygotes.

Submissions (2):

Labcorp Genetics (formerly Invitae), Labcorp
Classification: Uncertain significance for Long QT syndrome. Last evaluated: 2025-11-16. Review status: criteria provided, single submitter. Criteria: Invitae Variant Classification Sherloc (09022015). Collection method: clinical testing. Allele origin: germline.
Comment: This sequence change replaces threonine, which is neutral and polar, with isoleucine, which is neutral and non-polar, at codon 131 of the AKAP9 protein (p.Thr131Ile). This variant is present in population databases (rs751675949, gnomAD 0.02%). This variant has not been reported in the literature in individuals affected with AKAP9-related conditions. ClinVar contains an entry for this variant (Variation ID: 1402253). An algorithm developed to predict the effect of missense changes on protein structure and function (PolyPhen-2) suggests that this variant is likely to be disruptive. In summary, the available evidence is currently insufficient to determine the role of this variant in disease. Therefore, it has been classified as a Variant of Uncertain Significance.

Ambry Genetics
Classification: Likely benign for Cardiovascular phenotype. Last evaluated: 2023-06-04. Review status: criteria provided, single submitter. Criteria: Ambry Variant Classification Scheme 2023. Collection method: clinical testing. Allele origin: germline.

NM_005751.5(AKAP9):c.392C>T (p.Thr131Ile)

Gene: AKAP9 (A-kinase anchoring protein 9; plus strand). Cytogenetic location: 7q21.2.
Variant type: single nucleotide variant.
Coding change: c.392C>T on transcript NM_005751.5 (MANE Select); coding-DNA position 392, C replaced by T.
Protein change: p.Thr131Ile; replaces threonine 131 with isoleucine.
Molecular consequence: missense variant.
Genome position (GRCh38, 1-based): chr7:91,992,198, C>T. VCF-style: chr7-91992198-C-T. GRCh37 (hg19) VCF-style: chr7-91621512-C-T.
Other names: c.392C>T, p.Thr131Ile (NM_147185.3); short protein forms T131I.
Identifiers: ClinVar variation 1402253 (VCV001402253.10), dbSNP rs751675949, ClinGen allele CA4335795.
Genomic context (GRCh38, chr7:91,992,198, plus strand): 5'-AGGAAATTGTTTTTATACAGGTAAATGGTTGCAGTTTTGTGATGAGAACAGGAAAGCCTA[C>T]AAATTTATTAAGGGTACAGTATTTAAAACTACTTGTGATACTAATGTTGGATACTATTTA-3'
Protein context (NP_005742.4, residues 121-141): CSFVMRTGKP[Thr131Ile]NLLREEEFGV